The following is an entry in ClinVar:

ClinVar aggregate classification (germline): Uncertain significance (1 of 4 stars; one submission).

Conditions:
Juvenile polyposis syndrome (JPS). Identifiers: Orphanet 2929, MedGen C0345893, MONDO:0017380, OMIM 174900.

Submission:

Labcorp Genetics (formerly Invitae), Labcorp
Classification: Uncertain significance for Juvenile polyposis syndrome. Last evaluated: 2024-02-23. Review status: criteria provided, single submitter. Criteria: Invitae Variant Classification Sherloc (09022015). Collection method: clinical testing. Allele origin: germline.
Comment: This sequence change replaces serine, which is neutral and polar, with threonine, which is neutral and polar, at codon 463 of the BMPR1A protein (p.Ser463Thr). This variant is not present in population databases (gnomAD no frequency). This variant has not been reported in the literature in individuals affected with BMPR1A-related conditions. Advanced modeling of protein sequence and biophysical properties (such as structural, functional, and spatial information, amino acid conservation, physicochemical variation, residue mobility, and thermodynamic stability) performed at Invitae indicates that this missense variant is not expected to disrupt BMPR1A protein function with a negative predictive value of 80%. In summary, the available evidence is currently insufficient to determine the role of this variant in disease. Therefore, it has been classified as a Variant of Uncertain Significance.

NM_004329.3(BMPR1A):c.1388G>C (p.Ser463Thr)

Gene: BMPR1A (bone morphogenetic protein receptor type 1A; plus strand). Cytogenetic location: 10q23.2.
Variant type: single nucleotide variant.
Coding change: c.1388G>C on transcript NM_004329.3 (MANE Select); coding-DNA position 1388, G replaced by C.
Protein change: p.Ser463Thr; replaces serine 463 with threonine.
Molecular consequence: missense variant. On other transcripts: non-coding transcript variant (3).
Genome position (GRCh38, 1-based): chr10:86,923,421, G>C. VCF-style: chr10-86923421-G-C. GRCh37 (hg19) VCF-style: chr10-88683178-G-C.
Other names: c.1388G>C, p.Ser463Thr (NM_001406580.1, NM_001406581.1, NM_001406582.1 and 19 more transcripts); c.1382G>C, p.Ser461Thr (NM_001406583.1); c.1304G>C, p.Ser435Thr (NM_001406584.1, NM_001406585.1, NM_001406586.1 and 2 more transcripts); c.1046G>C, p.Ser349Thr (NM_001406589.1); c.1463G>C, p.Ser488Thr (NM_001406559.1); c.1436G>C, p.Ser479Thr (NM_001406560.1); short protein forms S463T, S479T, S488T, S435T, S349T, S461T.
Identifiers: ClinVar variation 3685357 (VCV003685357.2).